The following is an entry in ClinVar:

ClinVar aggregate classification (germline): Uncertain significance. Review status: criteria provided, multiple submitters, no conflicts (2 of 4 stars). 2 submissions from 2 submitters: Uncertain significance (2). Last evaluated 2024-06-28.

Conditions:
Familial thoracic aortic aneurysm and aortic dissection (TAAD). Also called: Thoracic aortic aneurysms and dissections. Identifiers: Orphanet 91387, MedGen C4707243, MONDO:0019625.
Marfan syndrome (MFS). Also called: Marfan syndrome type 1; Marfan's syndrome; Marfan syndrome, classic; MARFAN SYNDROME, TYPE I; FBN1-Related Marfan Syndrome. Identifiers: Orphanet 284963, Orphanet 558, MedGen C0024796, MONDO:0007947, OMIM 154700.

Submissions (2):

Labcorp Genetics (formerly Invitae), Labcorp
Classification: Uncertain significance for Marfan syndrome; Familial thoracic aortic aneurysm and aortic dissection. Last evaluated: 2024-06-28. Review status: criteria provided, single submitter. Criteria: Invitae Variant Classification Sherloc (09022015). Collection method: clinical testing. Allele origin: germline.
Comment: This sequence change replaces glycine, which is neutral and non-polar, with tryptophan, which is neutral and slightly polar, at codon 4 of the FBN1 protein (p.Gly4Trp). This variant is not present in population databases (gnomAD no frequency). This variant has not been reported in the literature in individuals affected with FBN1-related conditions. ClinVar contains an entry for this variant (Variation ID: 1171491). Advanced modeling of protein sequence and biophysical properties (such as structural, functional, and spatial information, amino acid conservation, physicochemical variation, residue mobility, and thermodynamic stability) has been performed at Invitae for this missense variant, however the output from this modeling did not meet the statistical confidence thresholds required to predict the impact of this variant on FBN1 protein function. In summary, the available evidence is currently insufficient to determine the role of this variant in disease. Therefore, it has been classified as a Variant of Uncertain Significance.

Color Diagnostics, LLC DBA Color Health
Classification: Uncertain significance for Familial thoracic aortic aneurysm and aortic dissection. Last evaluated: 2021-01-25. Review status: criteria provided, single submitter. Criteria: ACMG Guidelines, 2015. Collection method: clinical testing. Allele origin: germline.
Comment: This missense variant replaces glycine with tryptophan at codon 4 of the FBN1 protein. Computational prediction suggests that this variant may not impact protein structure and function (internally defined REVEL score threshold <= 0.5, PMID: 27666373). To our knowledge, functional studies have not been reported for this variant. This variant has not been reported in individuals affected with cardiovascular disorders in the literature. This variant has not been identified in the general population by the Genome Aggregation Database (gnomAD). The available evidence is insufficient to determine the role of this variant in disease conclusively. Therefore, this variant is classified as a Variant of Uncertain Significance.

NM_000138.5(FBN1):c.10G>T (p.Gly4Trp)

Gene: FBN1 (fibrillin 1; minus strand). Cytogenetic location: 15q21.1.
Variant type: single nucleotide variant.
Coding change: c.10G>T on transcript NM_000138.5 (MANE Select); coding-DNA position 10, G replaced by T.
Protein change: p.Gly4Trp; replaces glycine 4 with tryptophan.
Molecular consequence: missense variant.
Genome position (GRCh38, 1-based): chr15:48,644,760, C>A on the plus strand (G>T on the coding strand, the complement: FBN1 is on the minus strand). VCF-style: chr15-48644760-C-A. GRCh37 (hg19) VCF-style: chr15-48936957-C-A.
Other names: short protein forms G4W.
Identifiers: ClinVar variation 1171491 (VCV001171491.4), dbSNP rs1890263469, ClinGen allele CA392454023.